The following is an entry in ClinVar:

NM_019842.4(KCNQ5):c.2788A>C (p.Lys930Gln)

Gene: KCNQ5 (potassium voltage-gated channel subfamily Q member 5; plus strand). Cytogenetic location: 6q13.
Variant type: single nucleotide variant.
Coding change: c.2788A>C on transcript NM_019842.4 (MANE Select); coding-DNA position 2788, A replaced by C.
Protein change: p.Lys930Gln; replaces lysine 930 with glutamine.
Molecular consequence: missense variant.
Genome position (GRCh38, 1-based): chr6:73,195,403, A>C. VCF-style: chr6-73195403-A-C. GRCh37 (hg19) VCF-style: chr6-73905126-A-C.
Other names: c.2761A>C, p.Lys921Gln (NM_001160130.2); c.2818A>C, p.Lys940Gln (NM_001160132.2); c.2845A>C, p.Lys949Gln (NM_001160133.2); c.2458A>C, p.Lys820Gln (NM_001160134.2); short protein forms K820Q, K921Q, K949Q, K930Q, K940Q.
Identifiers: ClinVar variation 1027752 (VCV001027752.1), dbSNP rs1765753921, ClinGen allele CA364697611.

ClinVar aggregate classification (germline): Uncertain significance (1 of 4 stars; one submission).

Conditions:
Intellectual developmental disorder, autosomal dominant 46. Also called: Intellectual disability, autosomal dominant 46; MENTAL RETARDATION, AUTOSOMAL DOMINANT 46. Identifiers: MedGen C4539851, MONDO:0030911, OMIM 617601.

Submission:

Baylor Genetics
Classification: Uncertain significance for Intellectual developmental disorder, autosomal dominant 46. Last evaluated: 2020-02-17. Review status: criteria provided, single submitter. Criteria: ACMG Guidelines, 2015. Collection method: clinical testing. Allele origin: unknown. Affected: yes.
Comment: This variant was determined to be of uncertain significance according to ACMG Guidelines, 2015 [PMID:25741868].